The following is an entry in ClinVar:

NM_005228.5(EGFR):c.2544G>A (p.Pro848=)

Gene: EGFR (epidermal growth factor receptor; plus strand). Cytogenetic location: 7p11.2.
Variant type: single nucleotide variant.
Coding change: c.2544G>A on transcript NM_005228.5 (MANE Select); coding-DNA position 2544, G replaced by A.
Protein change: p.Pro848=; no amino-acid change (proline 848 retained).
Molecular consequence: synonymous variant.
Genome position (GRCh38, 1-based): chr7:55,191,793, G>A. VCF-style: chr7-55191793-G-A. GRCh37 (hg19) VCF-style: chr7-55259486-G-A.
Other names: c.2409G>A, p.Pro803= (NM_001346897.2, NM_001346899.2); c.2544G>A, p.Pro848= (NM_001346898.2); c.2544G>A (NM_005228.4, NM_005228.3); c.2385G>A, p.Pro795= (NM_001346900.2); c.1743G>A, p.Pro581= (NM_001346941.2).
Identifiers: ClinVar variation 132949 (VCV000132949.12), dbSNP rs104886012, ClinGen allele CA156276.
Genomic context (GRCh38, chr7:55,191,793, plus strand): 5'-GGAGGACCGTCGCTTGGTGCACCGCGACCTGGCAGCCAGGAACGTACTGGTGAAAACACC[G>A]CAGCATGTCAAGATCACAGATTTTGGGCTGGCCAAACTGCTGGGTGCGGAAGAGAAAGAA-3'
Protein context (NP_005219.2, residues 838-858): LAARNVLVKT[Pro848=]QHVKITDFGL

ClinVar aggregate classification (germline): Benign/Likely benign. Review status: criteria provided, multiple submitters, no conflicts (2 of 4 stars). 5 submissions from 5 submitters: Benign (1); Likely benign (3). 1 of the submissions does not count toward it. Last evaluated 2026-01-19.

Conditions:
EGFR-related disorder. Also called: EGFR-related condition.
Lung cancer. Also called: Malignant tumor of lung; Lung cancer, somatic. Identifiers: MedGen C0242379, MONDO:0008903, OMIM 211980.
Hereditary cancer-predisposing syndrome. Also called: Neoplastic Syndromes, Hereditary; Tumor predisposition; Hereditary Cancer Syndrome; Hereditary neoplastic syndrome. Identifiers: Orphanet 140162, MedGen C0027672, MeSH D009386, MONDO:0015356.
EGFR-related lung cancer (EGFR). Identifiers: MedGen CN130014.
Endometrial carcinoma. Also called: Endometrial carcinoma, somatic. Identifiers: MedGen C0476089, MONDO:0002447, OMIM 608089, HP:0012114.

Allele frequency attached by ClinVar (database versions not stated): ExAC 0.00001; gnomAD 0.00006; TOPMed 0.00022.
gnomAD v4.1: 63 of 1,614,072 alleles (0.0039%); highest among the groups gnomAD compares: Admixed American, 0.03%; no homozygotes.

Submissions (5):

Labcorp Genetics (formerly Invitae), Labcorp
Classification: Likely benign for EGFR-related lung cancer. Last evaluated: 2026-01-19. Review status: criteria provided, single submitter. Criteria: Invitae Variant Classification Sherloc (09022015). Collection method: clinical testing. Allele origin: germline.

PreventionGenetics, part of Exact Sciences
Classification: Likely benign for EGFR-related condition. Last evaluated: 2025-09-11. Review status: criteria provided, single submitter. Criteria: ACMG Guidelines, 2015. Collection method: clinical testing. Allele origin: germline.
Comment: This variant is classified as likely benign based on ACMG/AMP sequence variant interpretation guidelines (Richards et al. 2015 PMID: 25741868, with internal and published modifications).

Myriad Genetics, Inc.
Classification: Benign for Lung cancer. Last evaluated: 2024-10-17. Review status: criteria provided, single submitter. Criteria: Myriad Autosomal Dominant, Autosomal Recessive and X-Linked Classification Criteria (2023). Collection method: clinical testing. Allele origin: unknown.
Comment: This variant is considered benign. This variant is a silent/synonymous amino acid change and it is not expected to impact splicing.

Ambry Genetics
Classification: Likely benign for Hereditary cancer-predisposing syndrome. Last evaluated: 2024-10-15. Review status: criteria provided, single submitter. Criteria: Ambry Variant Classification Scheme 2023. Collection method: clinical testing. Allele origin: germline.

Laboratory of Translational Genomics,  National Cancer Institute
No classification provided. Condition: Endometrial carcinoma. Review status: no classification provided. Collection method: not provided. Allele origin: somatic. Not counted in ClinVar's aggregate classification.
Comment: Endometrial Cancer specimen